The following is an entry in ClinVar:

ClinVar aggregate classification (germline): Likely pathogenic. Review status: criteria provided, multiple submitters, no conflicts (2 of 4 stars). 3 submissions from 3 submitters: Likely pathogenic (3). Last evaluated 2020-11-13.

Conditions:
Fanconi anemia complementation group G. Also called: Fanconi anemia group G; FANCG-Related Fanconi Anemia. Identifiers: Orphanet 84, MedGen C3469527, MONDO:0013565, OMIM 614082.

Allele frequency attached by ClinVar (database versions not stated): gnomAD exomes below 0.00001 and 0.00001; ExAC 0.00001.
gnomAD v4.1: 2 of 1,613,804 alleles (0.00012%); highest among the groups gnomAD compares: South Asian, 0.0022%; no homozygotes.

Submissions (3):

Revvity Omics, Revvity
Classification: Likely pathogenic for Fanconi anemia complementation group G. Last evaluated: 2020-11-13. Review status: criteria provided, single submitter. Criteria: ACMG Guidelines, 2015. Collection method: clinical testing. Allele origin: germline.

Lifecell International Pvt. Ltd
Classification: Likely pathogenic for Fanconi anemia complementation group G. Review status: criteria provided, single submitter. Criteria: ACMG Guidelines, 2015. Collection method: clinical testing. Allele origin: germline. Inheritance: Autosomal recessive inheritance. Affected: yes. Observed: 1 homozygote.
Comment: A Homozygote, Splice site acceptor variant c.1761-2A>C in Exon 13 of the FANCG gene that results in the amino acid substitution was identified. The observed variant has a minor allele frequency of 0.0001% in gnomAD exomes and genomes, respectively. The severity of the impact of this variant on the protein is high, based on the effect of the protein and the REVEL score. Rare Exome Variant Ensemble Learner (REVEL) is an ensembl method for predicting the pathogenicity of missense variants based on a combination of scores from 13 individual tools: MutPred, FATHMM v2.3, VEST 3.0, PolyPhen-2, SIFT, PROVEAN, MutationAssessor, MutationTaster, LRT, GERP++, SiPhy, phyloP, and phastCons. The REVEL score for an individual missense variant can range from 0 to 1, with higher scores reflecting greater likelihood that the variant is disease-causing. The variant has been reported to ClinVar as Likely pathogenic with a status of (0 stars) no assertion criteria provided (Variation ID 1324383 as of 2021-11-29). Mutations in the FANCG gene have been well documented in cases of Fanconi anemia (de Winter, J P et al., 1998). Based on the above evidence this variant has been classified as Likely pathogenic according to the ACMG guidelines.

Neuberg Centre For Genomic Medicine, NCGM
Classification: Likely pathogenic for Fanconi anemia complementation group G. Review status: criteria provided, single submitter. Criteria: ACMG Guidelines, 2015. Collection method: clinical testing. Allele origin: germline. Inheritance: Autosomal recessive inheritance. Affected: yes.
Comment: The splice site variant c.1761-2A>C in FANCG gene has not been reported previously as a pathogenic variant nor as a benign variant, to our knowledge. This variant has been reported to the ClinVar database as Likely Pathogenic. The c.1761-2A>C variant is novel (not in any individuals) in 1000 Genomes and allele frequency of 0.0008% is reported in gnomAD. The variant affects an invariant splice nucleotide and is expected to cause loss of function. Loss of function variants have been previously reported to be disease causing. For these reasons, this variant has been classified as Likely Pathogenic.

Literature cited by the submitters: PubMed 9806548 (cited by Lifecell International Pvt. Ltd).

NM_004629.2(FANCG):c.1761-2A>C

Gene: FANCG (FA complementation group G; minus strand). Cytogenetic location: 9p13.3.
Variant type: single nucleotide variant.
Coding change: c.1761-2A>C on transcript NM_004629.2 (MANE Select); the canonical splice acceptor site of the intron before coding-DNA position 1761, A replaced by C.
Molecular consequence: splice acceptor variant.
Genome position (GRCh38, 1-based): chr9:35,074,218, T>G on the plus strand (A>C on the coding strand, the complement: FANCG is on the minus strand). VCF-style: chr9-35074218-T-G. GRCh37 (hg19) VCF-style: chr9-35074215-T-G.
Identifiers: ClinVar variation 1324383 (VCV001324383.6), dbSNP rs765150956, ClinGen allele CA5039626.